The following is an entry in ClinVar:

ClinVar aggregate classification (germline): Uncertain significance (1 of 4 stars; one submission).

Conditions:
Hereditary cancer-predisposing syndrome. Also called: Tumor predisposition; Hereditary neoplastic syndrome; Neoplastic Syndromes, Hereditary; Hereditary Cancer Syndrome. Identifiers: Orphanet 140162, MedGen C0027672, MeSH D009386, MONDO:0015356.

Submission:

Ambry Genetics
Classification: Uncertain significance for Hereditary cancer-predisposing syndrome. Last evaluated: 2025-04-20. Review status: criteria provided, single submitter. Criteria: Ambry Variant Classification Scheme 2023. Collection method: clinical testing. Allele origin: germline.
Comment: The p.K457E variant (also known as c.1369A>G), located in coding exon 9 of the BRCA2 gene, results from an A to G substitution at nucleotide position 1369. The lysine at codon 457 is replaced by glutamic acid, an amino acid with similar properties. This amino acid position is not well conserved in available vertebrate species. In addition, this alteration is predicted to be tolerated by in silico analysis. Based on the available evidence, the clinical significance of this variant remains unclear.

NM_000059.4(BRCA2):c.1369A>G (p.Lys457Glu)

Gene: BRCA2 (BRCA2 DNA repair associated; plus strand). Cytogenetic location: 13q13.1.
Variant type: single nucleotide variant.
Coding change: c.1369A>G on transcript NM_000059.4 (MANE Select); coding-DNA position 1369, A replaced by G.
Protein change: p.Lys457Glu; replaces lysine 457 with glutamic acid.
Molecular consequence: missense variant. On other transcripts: non-coding transcript variant (1), intron variant (1).
Genome position (GRCh38, 1-based): chr13:32,332,847, A>G. VCF-style: chr13-32332847-A-G. GRCh37 (hg19) VCF-style: chr13-32906984-A-G.
Other names: c.1369A>G, p.Lys457Glu (NM_001406719.1, NM_001406720.1, NM_001406721.1 and 1 more transcripts); c.424+1817A>G (NM_001406722.1); short protein forms K457E.
Identifiers: ClinVar variation 3992803 (VCV003992803.1).
Genomic context (GRCh38, chr13:32,332,847, plus strand): 5'-AAAGATTTTCTTACTTCAGAGAATTCTTTGCCACGTATTTCTAGCCTACCAAAATCAGAG[A>G]AGCCATTAAATGAGGAAACAGTGGTAAATAAGAGAGATGAAGAGCAGCATCTTGAATCTC-3'
Protein context (NP_000050.3, residues 447-467): PRISSLPKSE[Lys457Glu]PLNEETVVNK